The following is an entry in ClinVar:

ClinVar aggregate classification (germline): Uncertain significance (1 of 4 stars; one submission).

Submission:

Women's Health and Genetics/Laboratory Corporation of America, LabCorp
Classification: Uncertain significance. Last evaluated: 2025-10-16. Review status: criteria provided, single submitter. Criteria: LabCorp Variant Classification Summary - May 2015. Collection method: clinical testing. Allele origin: germline.
Comment: Variant summary: The variant involves the duplication of exons 1-11 in the PDK3 gene. A presumed nomenclature of c.(?_-171)_(*351_?)dup has been designated for the purposes of this classification. This duplication includes the entire coding sequence of the gene. As exact breakpoints are unknown, it may extend beyond the annotated region of the gene, to include other flanking genes. The variant was absent in 15814 control chromosomes. The available data on variant occurrences in the general population are insufficient to allow any conclusion about variant significance. To our knowledge, no occurrence of c.(?_-171)_(*351_?)dup in individuals affected with PDK3-related conditions and no experimental evidence demonstrating its impact on protein function have been reported. ClinVar contains an entry for this variant (Variation ID: 541117, 1439364). Based on the evidence outlined above, the variant was classified as uncertain significance.

NC_000023.10:g.(?_24483402)_(24552540_?)dup

Gene: PDK3 (pyruvate dehydrogenase kinase 3; plus strand). Cytogenetic location: Xp22.11.
Variant type: Duplication.
Identifiers: ClinVar variation 4687254 (VCV004687254.1).